The following is an entry in ClinVar:

NM_000492.4(CFTR):c.1080del (p.Trp361fs)

Gene: CFTR (CF transmembrane conductance regulator; plus strand). Cytogenetic location: 7q31.2.
Variant type: Deletion.
Coding change: c.1080del on transcript NM_000492.4 (MANE Select); coding-DNA position 1080, one base deleted (A; older notation c.1080delA).
Protein change: p.Trp361fs; shifts the reading frame from tryptophan 361.
Molecular consequence: frameshift variant.
Genome position (GRCh38, 1-based): chr7:117,540,310, A deleted. VCF-style (leftmost placement, unchanged base first): chr7-117540309-CA-C. GRCh37 (hg19) VCF-style: chr7-117180363-CA-C.
Other names: short protein forms W361fs.
Identifiers: ClinVar variation 1706073 (VCV001706073.1), dbSNP rs2485027177, ClinGen allele CA2580076464.

ClinVar aggregate classification (germline): Pathogenic (1 of 4 stars; one submission).

Conditions:
Cystic fibrosis (CF). Also called: MUCOVISCIDOSIS. Identifiers: Orphanet 586, MedGen C0010674, MONDO:0009061, OMIM 219700. Disease mechanism: loss of function.

Submission:

Institute of Human Genetics, University of Leipzig Medical Center
Classification: Pathogenic for Cystic fibrosis. Last evaluated: 2022-09-05. Review status: criteria provided, single submitter. Criteria: ACMG Guidelines, 2015. Collection method: curation. Allele origin: unknown. Affected: yes. Observed: 1 variant allele.
Comment: The variant was classified in the context of a project re-classifying variants in the German Cystic Fibrosis Registry (Muko.e.V.). Criteria applied: PVS1, PS1, PM2_SUP, PP4